The following is an entry in ClinVar:

NM_004086.3(COCH):c.260G>T (p.Gly87Val)

Genes: COCH (cochlin; plus strand), COCH-AS1 (COCH antisense RNA 1; minus strand). Cytogenetic location: 14q12.
Variant type: single nucleotide variant.
Coding change: c.260G>T on transcript NM_004086.3 (MANE Select); coding-DNA position 260, G replaced by T.
Protein change: p.Gly87Val; replaces glycine 87 with valine.
Molecular consequence: missense variant.
Genome position (GRCh38, 1-based): chr14:30,878,831, G>T. VCF-style: chr14-30878831-G-T. GRCh37 (hg19) VCF-style: chr14-31348037-G-T.
Other names: NM_004086.3(COCH):c.260G>T; p.Gly87Val; c.260G>T, p.Gly87Val (NM_001135058.2); c.455G>T, p.Gly152Val (NM_001347720.2); short protein forms G152V, G87V.
Identifiers: ClinVar variation 4532319 (VCV004532319.2).

ClinVar aggregate classification (germline): Likely pathogenic. Review status: reviewed by expert panel (3 of 4 stars). 2 submissions from 2 submitters: Likely pathogenic (1). 1 of the submissions does not count toward it. Last evaluated 2026-09-16.

Conditions:
Nonsyndromic genetic hearing loss. Also called: Nonsyndromic hearing loss and deafness; Non-syndromic genetic deafness; Nonsyndromic genetic deafness. Identifiers: Orphanet 87884, MedGen C5680182, MONDO:0019497.

Submissions (2):

ClinGen Hearing Loss Variant Curation Expert Panel
Classification: Likely pathogenic for Nonsyndromic genetic hearing loss. Last evaluated: 2026-09-16. Review status: reviewed by expert panel. Criteria: Clingen Hl Acmg Specifications Cdh23 Coch Gjb2 Kcnq4 Myo6 Myo7a Slc26a4 Tecta Ush2a V2. Collection method: curation. Allele origin: germline. Inheritance: Autosomal dominant inheritance.
Comment: The variant NM_004086.3:c.260G>T in COCH is a missense variant predicted to cause substitution of Glycine to Valine at amino acid 87 (p.Gly87Val). This variant was not found in gnomAD v4.1.1 (PM2_Supporting met). The in silico predictor REVEL yields a score of 0.867 (PP3 met). Given the highly specific phenotype of autosomal dominant progressive HL with vestibular dysfunction, the HL-VCEP decided to apply PP4 evidence criteria. A different missense variant c.259G>T (p.Gly87Trp) at the same amino acid position has been classified as pathogenic by the ClinGen HL-VCEP (PM5 met). In summary, based on the current evidence (PM5, PP1_Moderate, PS4_Supporting, PP4, PP3 & PM2_Supporting), the variant NM_004086.3(COCH):c.260G>T (p.Gly87Val) is classified as likely pathogenic for autosomal dominant non-syndromic SNHL based on the ACMG/AMP criteria applied, as specified by the ClinGen HL-VCEP (ClinGen Hearing Loss VCEP specifications version 2; 09/16/2026).

GeneDx
Classification: Uncertain significance. Last evaluated: 2025-05-27. Review status: criteria provided, single submitter. Criteria: GeneDx Variant Classification Process June 2021. Collection method: clinical testing. Allele origin: germline. Affected: yes. Not counted in ClinVar's aggregate classification.
Comment: Not observed at significant frequency in large population cohorts (gnomAD); In silico analysis supports that this missense variant has a deleterious effect on protein structure/function; This variant is associated with the following publications: (PMID: 23993205, 34599366, 23767834)